The following is an entry in ClinVar:

NM_001365480.1(CCDC88A):c.206A>G (p.Asn69Ser)

Gene: CCDC88A (coiled-coil and HOOK domain protein 88A; minus strand). Cytogenetic location: 2p16.1.
Variant type: single nucleotide variant.
Coding change: c.206A>G on transcript NM_001365480.1 (MANE Select); coding-DNA position 206, A replaced by G.
Protein change: p.Asn69Ser; replaces asparagine 69 with serine.
Molecular consequence: missense variant.
Genome position (GRCh38, 1-based): chr2:55,388,845, T>C on the plus strand (A>G on the coding strand, the complement: CCDC88A is on the minus strand). VCF-style: chr2-55388845-T-C. GRCh37 (hg19) VCF-style: chr2-55615981-T-C.
Other names: c.206A>G, p.Asn69Ser (NM_001135597.2, NM_001254943.2, NM_018084.5); short protein forms N69S.
Identifiers: ClinVar variation 1481254 (VCV001481254.6), dbSNP rs1676132730, ClinGen allele CA346905223.

ClinVar aggregate classification (germline): Uncertain significance (1 of 4 stars; one submission).

Allele frequency attached by ClinVar (database versions not stated): TOPMed below 0.00001; gnomAD exomes 0.00001.
gnomAD v4.1: 11 of 1,538,310 alleles (0.00072%); highest among the groups gnomAD compares: Non-Finnish European, 0.00098%; no homozygotes.

Submission:

Labcorp Genetics (formerly Invitae), Labcorp
Classification: Uncertain significance. Last evaluated: 2025-08-04. Review status: criteria provided, single submitter. Criteria: Invitae Variant Classification Sherloc (09022015). Collection method: clinical testing. Allele origin: germline.
Comment: This sequence change replaces asparagine, which is neutral and polar, with serine, which is neutral and polar, at codon 69 of the CCDC88A protein (p.Asn69Ser). This variant is not present in population databases (gnomAD no frequency). This variant has not been reported in the literature in individuals affected with CCDC88A-related conditions. ClinVar contains an entry for this variant (Variation ID: 1481254). An algorithm developed to predict the effect of missense changes on protein structure and function (PolyPhen-2) suggests that this variant is likely to be disruptive. In summary, the available evidence is currently insufficient to determine the role of this variant in disease. Therefore, it has been classified as a Variant of Uncertain Significance.